The following is an entry in ClinVar:

ClinVar aggregate classification (germline): Uncertain significance (1 of 4 stars; one submission).

Submission:

GeneDx
Classification: Uncertain significance. Last evaluated: 2024-03-29. Review status: criteria provided, single submitter. Criteria: GeneDx Variant Classification Process June 2021. Collection method: clinical testing. Allele origin: germline. Affected: yes.
Comment: Not observed at significant frequency in large population cohorts (gnomAD); In silico analysis supports that this missense variant has a deleterious effect on protein structure/function; Has not been previously published as pathogenic or benign to our knowledge

NM_182641.4(BPTF):c.902C>A (p.Ser301Tyr)

Gene: BPTF (bromodomain PHD finger transcription factor; plus strand). Cytogenetic location: 17q24.2.
Variant type: single nucleotide variant.
Coding change: c.902C>A on transcript NM_182641.4 (MANE Select); coding-DNA position 902, C replaced by A.
Protein change: p.Ser301Tyr; replaces serine 301 with tyrosine.
Molecular consequence: missense variant.
Genome position (GRCh38, 1-based): chr17:67,854,228, C>A. VCF-style: chr17-67854228-C-A. GRCh37 (hg19) VCF-style: chr17-65850344-C-A.
Other names: c.902C>A, p.Ser301Tyr (NM_004459.7); short protein forms S301Y.
Identifiers: ClinVar variation 3371633 (VCV003371633.1).
Genomic context (GRCh38, chr17:67,854,228, plus strand): 5'-CACTCATGGCAGAGATGCATGTTGTGCTTTTGAAAGCAGTTCTGCGTGAAGAAGACACTT[C>A]CAATACTACCTTTGGACCTGCTGATCTGAAAGATAGCGTTAATTCCACACTGTATTTCAT-3'
Protein context (NP_872579.2, residues 291-311): LKAVLREEDT[Ser301Tyr]NTTFGPADLK